The following is an entry in ClinVar:

NM_052845.4(MMAB):c.548A>T (p.His183Leu)

Gene: MMAB (metabolism of cobalamin associated B; minus strand). Cytogenetic location: 12q24.11.
Variant type: single nucleotide variant.
Coding change: c.548A>T on transcript NM_052845.4 (MANE Select); coding-DNA position 548, A replaced by T.
Protein change: p.His183Leu; replaces histidine 183 with leucine.
Molecular consequence: missense variant. On other transcripts: non-coding transcript variant (1).
Genome position (GRCh38, 1-based): chr12:109,561,076, T>A on the plus strand (A>T on the coding strand, the complement: MMAB is on the minus strand). VCF-style: chr12-109561076-T-A. GRCh37 (hg19) VCF-style: chr12-109998881-T-A.
Other names: short protein forms H183L.
Identifiers: ClinVar variation 218328 (VCV000218328.17), dbSNP rs752866643, ClinGen allele CA278559.

ClinVar aggregate classification (germline): Conflicting classifications of pathogenicity. Review status: criteria provided, conflicting classifications (1 of 4 stars). 7 submissions from 7 submitters: Pathogenic (1); Likely pathogenic (3); Uncertain significance (1). 2 of the submissions do not count toward it. Last evaluated 2025-09-19.

Conditions:
Methylmalonic aciduria, cblB type (MACB). Also called: METHYLMALONIC ACIDURIA, VITAMIN B12-RESPONSIVE, DUE TO DEFECT IN SYNTHESIS OF ADENOSYLCOBALAMIN, cblB TYPE; Methylmalonic acidemia cblB type; Vitamin B12-responsive methylmalonic acidemia type cblB. Identifiers: Orphanet 28, Orphanet 79311, MedGen C1855102, MONDO:0009614, OMIM 251110.

Allele frequency attached by ClinVar (database versions not stated): ExAC 0.00001; gnomAD exomes 0.00001 and 0.00002; gnomAD 0.00002; TOPMed 0.00002.
gnomAD v4.1: 16 of 1,541,046 alleles (0.001%); highest among the groups gnomAD compares: Admixed American, 0.012%; no homozygotes.

Submissions (7):

Natera, Inc.
Classification: Likely pathogenic for Methylmalonic aciduria cblB type. Last evaluated: 2025-09-19. Review status: criteria provided, single submitter. Criteria: Natera Variant Classification Schema (03/2026). Collection method: clinical testing. Allele origin: germline.
Comment: The c.548A>T variant in MMAB is a missense variant predicted to cause substitution of histidine to leucine at amino acid 183. This variant is rare in the general population with a frequency below the threshold expected for the associated phenotype(s). This variant has been observed in one or more individuals affected with the associated recessive disease, as either homozygous or compound heterozygous with a second variant (PMID: 30041674). This variant has been identified in one or more affected individuals with a phenotype highly consistent with the associated gene (PMID: 24813872, 30041674). Computational prediction algorithms indicate this variant is likely to affect gene or protein function. Given the available evidence, this variant is classified as Likely Pathogenic.

Women's Health and Genetics/Laboratory Corporation of America, LabCorp
Classification: Uncertain significance. Last evaluated: 2025-06-06. Review status: criteria provided, single submitter. Criteria: LabCorp Variant Classification Summary - May 2015. Collection method: clinical testing. Allele origin: germline.
Comment: Variant summary: MMAB c.548A>T (p.His183Leu) results in a non-conservative amino acid change located in the Cobalamin adenosyltransferase-like domain (IPR016030) of the encoded protein sequence. Algorithms developed to predict the effect of missense changes on protein structure and function all suggest that this variant is likely to be disruptive. The variant allele was found at a frequency of 2e-05 in 249390 control chromosomes. c.548A>T has been reported in the literature as a compound heterozygous genotype in individuals affected with Methylmalonic Acidemia, cblB type (example. Brasil_2015, Navarrete_2019). These data indicate that the variant may be associated with disease. At least one publication reports experimental evidence evaluating an impact on protein function. The most pronounced variant effect results in a destabilizing effect and a mild reduction of adenosine triphosphate (ATP): cobalamin adenosyltransferase (ATR) activity and half-life (Brasil_2015). The following publications have been ascertained in the context of this evaluation (PMID: 24813872, 30041674, 30626930). ClinVar contains an entry for this variant (Variation ID: 218328). Based on the evidence outlined above, the variant was classified as VUS-possibly pathogenic.

Labcorp Genetics (formerly Invitae), Labcorp
Classification: Pathogenic for Methylmalonic aciduria, cblB type. Last evaluated: 2025-03-31. Review status: criteria provided, single submitter. Criteria: Invitae Variant Classification Sherloc (09022015). Collection method: clinical testing. Allele origin: germline.
Comment: This sequence change replaces histidine, which is basic and polar, with leucine, which is neutral and non-polar, at codon 183 of the MMAB protein (p.His183Leu). This variant is present in population databases (rs752866643, gnomAD 0.009%). This missense change has been observed in individual(s) with methylmalonic aciduria cobalamin B type (PMID: 24813872, 30041674). In at least one individual the data is consistent with being in trans (on the opposite chromosome) from a pathogenic variant. It has also been observed to segregate with disease in related individuals. ClinVar contains an entry for this variant (Variation ID: 218328). Invitae Evidence Modeling of protein sequence and biophysical properties (such as structural, functional, and spatial information, amino acid conservation, physicochemical variation, residue mobility, and thermodynamic stability) indicates that this missense variant is expected to disrupt MMAB protein function with a positive predictive value of 80%. Experimental studies have shown that this missense change affects MMAB function (PMID: 24813872). For these reasons, this variant has been classified as Pathogenic.

Fulgent Genetics
Classification: Likely pathogenic for Methylmalonic aciduria, cblB type. Last evaluated: 2024-03-12. Review status: criteria provided, single submitter. Criteria: ACMG Guidelines, 2015. Collection method: clinical testing. Allele origin: germline.

Mendelics
Classification: Likely pathogenic for Methylmalonic aciduria, cblB type. Last evaluated: 2019-05-28. Review status: criteria provided, single submitter. Criteria: Mendelics Assertion Criteria 2017. Collection method: clinical testing. Allele origin: unknown.

Counsyl
Classification: Uncertain significance for Methylmalonic aciduria, cblB type. Last evaluated: 2017-12-07. Review status: no assertion criteria provided. Collection method: clinical testing. Allele origin: unknown. Not counted in ClinVar's aggregate classification.

OMIM
Classification: Pathogenic for METHYLMALONIC ACIDURIA, cblB TYPE. Last evaluated: 2015-06-01. Review status: no assertion criteria provided. Collection method: literature only. Allele origin: germline. Not counted in ClinVar's aggregate classification.

Literature cited by the submitters: PubMed 30041674 (cited by 3 submitters); PubMed 24813872 (cited by 5 submitters); PubMed 30626930 (cited by Women's Health and Genetics/Laboratory Corporation of America, LabCorp).